The following is an entry in ClinVar:

ClinVar aggregate classification (germline): Likely benign (1 of 4 stars; one submission).

Allele frequency attached by ClinVar (database versions not stated): gnomAD exomes 0.00001; TOPMed 0.00001.
gnomAD v4.1: 17 of 1,531,286 alleles (0.0011%); highest among the groups gnomAD compares: Middle Eastern, 0.017%; no homozygotes.

Submission:

CeGaT Center for Human Genetics Tuebingen
Classification: Likely benign. Last evaluated: 2022-03-01. Review status: criteria provided, single submitter. Criteria: CeGaT Center For Human Genetics Tuebingen Variant Classification Criteria Version 2. Collection method: clinical testing. Allele origin: germline. Affected: yes. Observed: 1 variant allele.
Comment: SIN3A: BP4, BP7

NM_001145358.2(SIN3A):c.387T>C (p.Tyr129=)

Gene: SIN3A (SIN3 transcription regulator family member A; minus strand). Cytogenetic location: 15q24.2.
Variant type: single nucleotide variant.
Coding change: c.387T>C on transcript NM_001145358.2 (MANE Select); coding-DNA position 387, T replaced by C.
Protein change: p.Tyr129=; no amino-acid change (tyrosine 129 retained).
Molecular consequence: synonymous variant.
Genome position (GRCh38, 1-based): chr15:75,414,291, A>G on the plus strand (T>C on the coding strand, the complement: SIN3A is on the minus strand). VCF-style: chr15-75414291-A-G. GRCh37 (hg19) VCF-style: chr15-75706632-A-G.
Other names: c.387T>C, p.Tyr129= (NM_001145357.2, NM_015477.3).
Identifiers: ClinVar variation 1675580 (VCV001675580.33), dbSNP rs1347788001, ClinGen allele CA491254400.